The following is an entry in ClinVar:

NM_000545.8(HNF1A):c.1592G>C (p.Ser531Thr)

Gene: HNF1A (HNF1 homeobox A; plus strand). Cytogenetic location: 12q24.31.
Variant type: single nucleotide variant.
Coding change: c.1592G>C on transcript NM_000545.8 (MANE Select); coding-DNA position 1592, G replaced by C.
Protein change: p.Ser531Thr; replaces serine 531 with threonine.
Molecular consequence: missense variant.
Genome position (GRCh38, 1-based): chr12:120,999,358, G>C. VCF-style: chr12-120999358-G-C. GRCh37 (hg19) VCF-style: chr12-121437161-G-C.
Other names: NM_000545.6(HNF1A):c.1592G>C; p.Ser531Thr; c.1592G>C, p.Ser531Thr (NM_001306179.2); short protein forms S531T.
Identifiers: ClinVar variation 14947 (VCV000014947.9), dbSNP rs137853246, ClinGen allele CA124484.

ClinVar aggregate classification (germline): Uncertain significance. Review status: reviewed by expert panel (3 of 4 stars). 3 submissions from 3 submitters: Uncertain significance (1). 2 of the submissions do not count toward it. Last evaluated 2025-11-26.

Conditions:
Monogenic diabetes. Identifiers: Orphanet 183625, MedGen C3888631, MONDO:0015967.
Maturity-onset diabetes of the young type 3. Also called: MODY type 3; MODY, type III. Identifiers: Orphanet 552, MedGen C1838100, MeSH C563933, MONDO:0010894, OMIM 600496. Disease mechanism: loss of function.

Allele frequency attached by ClinVar (database versions not stated): gnomAD exomes 0.00002; ExAC 0.00004.
gnomAD v4.1: 11 of 1,614,044 alleles (0.00068%); highest among the groups gnomAD compares: Non-Finnish European, 0.00085%; no homozygotes.

Submissions (3):

ClinGen Monogenic Diabetes Variant Curation Expert Panel
Classification: Uncertain significance for Monogenic diabetes. Last evaluated: 2025-11-26. Review status: reviewed by expert panel. Criteria: ClinGen Diabetes ACMG Specifications HNF1A V3.1.0. Collection method: curation. Allele origin: germline. Inheritance: Autosomal dominant inheritance.
Comment: The c.1592G>C variant in the HNF1 homeobox A gene, HNF1A, causes an amino acid change of serine to threonine at codon 531 (p.(Ser531Thr)) of NM_000545.8. The Grpmax filtering allele frequency of this variant in gnomAD v4.1.0 is 0.000004290, which falls between ClinGen MDEP-established cutoffs for PM2_Supporting and BS1; thus, neither criterion will be applied. This variant has a REVEL score of 0.62, which is between the ClinGen MDEP thresholds for BP4 and PP3, predicting neither a damaging nor benign impact on HNF1A function. This variant was identified in five unrelated individuals with diabetes; however, PS4_Moderate does not apply because the variant is above the PM2_Supporting threshold and PP4 cannot be applied due to lack of clinical information (internal lab contributors). This variant does not appear to segregate with diabetes in a family (internal lab contributors), but the MODY probability was unable to be calculated in family members without the variant due to lack of clinical information. In summary, c.1592G>C meets the criteria to be classified as a variant of uncertain significance for monogenic diabetes. ACMG/AMP criteria applied, as specified by the ClinGen MDEP (specification version 3.1.0, approved 10/10/2025): none.

Illumina Laboratory Services, Illumina
Classification: Uncertain significance for Maturity-onset diabetes of the young type 3. Last evaluated: 2017-04-27. Review status: criteria provided, single submitter. Criteria: ICSL Variant Classification Criteria 13 December 2019. Collection method: clinical testing. Allele origin: germline. Not counted in ClinVar's aggregate classification.
Comment: This variant was observed as part of a predisposition screen in an ostensibly healthy population. A literature search was performed for the gene, cDNA change, and amino acid change (where applicable). Publications were found based on this search. However, the evidence from the literature, in combination with allele frequency data from public databases where available, was not sufficient to rule this variant in or out of causing disease. Therefore, this variant is classified as a variant of unknown significance.

OMIM
Classification: Pathogenic for MATURITY-ONSET DIABETES OF THE YOUNG, TYPE 3. Last evaluated: 2003-02-01. Review status: no assertion criteria provided. Collection method: literature only. Allele origin: germline. Not counted in ClinVar's aggregate classification.

Literature cited by the submitters: PubMed 12574234 (cited by Illumina Laboratory Services, Illumina and OMIM).